The following is an entry in ClinVar:

NM_006567.5(FARS2):c.593G>A (p.Arg198Gln)

Genes: FARS2 (phenylalanyl-tRNA synthetase 2, mitochondrial; plus strand), LOC126859565 (CDK7 strongly-dependent group 2 enhancer GRCh37_chr6:5368745-5369944; plus strand). Cytogenetic location: 6p25.1.
Variant type: single nucleotide variant.
Coding change: c.593G>A on transcript NM_006567.5 (MANE Select); coding-DNA position 593, G replaced by A.
Protein change: p.Arg198Gln; replaces arginine 198 with glutamine.
Molecular consequence: missense variant. On other transcripts: intron variant (2).
Genome position (GRCh38, 1-based): chr6:5,369,163, G>A. VCF-style: chr6-5369163-G-A. GRCh37 (hg19) VCF-style: chr6-5369396-G-A.
Other names: c.593G>A, p.Arg198Gln (NM_001374879.1, NM_001375257.1, NM_001375258.1 and 5 more transcripts); c.-340-27470G>A (NM_001375260.1); c.-84-35379G>A (NM_001375259.1); short protein forms R198Q.
Identifiers: ClinVar variation 3677074 (VCV003677074.2).

ClinVar aggregate classification (germline): Uncertain significance (1 of 4 stars; one submission).

Conditions:
Combined oxidative phosphorylation defect type 14. Also called: Combined oxidative phosphorylation deficiency 14. Identifiers: Orphanet 319519, MedGen C4755312, MONDO:0013986, OMIM 614946.

gnomAD v4.1: 7 of 1,607,954 alleles (0.00044%); highest among the groups gnomAD compares: East Asian, 0.0022%; no homozygotes.

Submission:

Labcorp Genetics (formerly Invitae), Labcorp
Classification: Uncertain significance for Combined oxidative phosphorylation defect type 14. Last evaluated: 2024-11-27. Review status: criteria provided, single submitter. Criteria: Invitae Variant Classification Sherloc (09022015). Collection method: clinical testing. Allele origin: germline.
Comment: This sequence change replaces arginine, which is basic and polar, with glutamine, which is neutral and polar, at codon 198 of the FARS2 protein (p.Arg198Gln). This variant is present in population databases (no rsID available, gnomAD 0.006%). This variant has not been reported in the literature in individuals affected with FARS2-related conditions. Invitae Evidence Modeling of protein sequence and biophysical properties (such as structural, functional, and spatial information, amino acid conservation, physicochemical variation, residue mobility, and thermodynamic stability) has been performed for this missense variant. However, the output from this modeling did not meet the statistical confidence thresholds required to predict the impact of this variant on FARS2 protein function. In summary, the available evidence is currently insufficient to determine the role of this variant in disease. Therefore, it has been classified as a Variant of Uncertain Significance.